The following is an entry in ClinVar:

NM_020433.5(JPH2):c.205C>T (p.Arg69Trp)

Gene: JPH2 (junctophilin 2; minus strand). Cytogenetic location: 20q13.12.
Variant type: single nucleotide variant.
Coding change: c.205C>T on transcript NM_020433.5 (MANE Select); coding-DNA position 205, C replaced by T.
Protein change: p.Arg69Trp; replaces arginine 69 with tryptophan.
Molecular consequence: missense variant.
Genome position (GRCh38, 1-based): chr20:44,186,501, G>A on the plus strand (C>T on the coding strand, the complement: JPH2 is on the minus strand). VCF-style: chr20-44186501-G-A. GRCh37 (hg19) VCF-style: chr20-42815141-G-A.
Other names: c.205C>T, p.Arg69Trp (NM_175913.4); short protein forms R69W.
Identifiers: ClinVar variation 1785195 (VCV001785195.2), dbSNP rs2515764387, ClinGen allele CA409095299.

ClinVar aggregate classification (germline): Uncertain significance (1 of 4 stars; one submission).

Conditions:
Cardiovascular phenotype. Identifiers: MedGen CN230736.

Allele frequency attached by ClinVar (database versions not stated): gnomAD exomes below 0.00001.

Submission:

Ambry Genetics
Classification: Uncertain significance for Cardiovascular phenotype. Last evaluated: 2021-11-19. Review status: criteria provided, single submitter. Criteria: Ambry Variant Classification Scheme 2023. Collection method: clinical testing. Allele origin: germline.
Comment: The p.R69W variant (also known as c.205C>T), located in coding exon 1 of the JPH2 gene, results from a C to T substitution at nucleotide position 205. The arginine at codon 69 is replaced by tryptophan, an amino acid with dissimilar properties. This amino acid position is conserved. In addition, the in silico prediction for this alteration is inconclusive. Since supporting evidence is limited at this time, the clinical significance of this alteration remains unclear.